The following is an entry in ClinVar:

ClinVar aggregate classification (germline): Uncertain significance (1 of 4 stars; one submission).

gnomAD v4.1: 1 of 1,613,832 alleles (0.000062%); highest among the groups gnomAD compares: East Asian, 0.0022%; no homozygotes.

Submission:

GeneDx
Classification: Uncertain significance. Last evaluated: 2025-02-03. Review status: criteria provided, single submitter. Criteria: GeneDx Variant Classification Process June 2021. Collection method: clinical testing. Allele origin: germline. Affected: yes.
Comment: Not observed at significant frequency in large population cohorts (gnomAD); In silico analysis supports that this missense variant has a deleterious effect on protein structure/function; Has not been previously published as pathogenic or benign to our knowledge

NM_001394062.1(MACF1):c.12127C>A (p.Gln4043Lys)

Genes: MACF1 (microtubule actin crosslinking factor 1; plus strand), LOC126805711 (CDK7 strongly-dependent group 2 enhancer GRCh37_chr1:39824023-39825222; plus strand). Cytogenetic location: 1p34.3.
Variant type: single nucleotide variant.
Coding change: c.12127C>A on transcript NM_001394062.1 (MANE Select); coding-DNA position 12127, C replaced by A.
Protein change: p.Gln4043Lys; replaces glutamine 4043 with lysine.
Molecular consequence: missense variant.
Genome position (GRCh38, 1-based): chr1:39,359,147, C>A. VCF-style: chr1-39359147-C-A. GRCh37 (hg19) VCF-style: chr1-39824819-C-A.
Other names: c.5941C>A, p.Gln1981Lys (NM_012090.5); short protein forms Q1981K, Q4043K.
Identifiers: ClinVar variation 4074430 (VCV004074430.1).